The following is an entry in ClinVar:

NM_197968.4(ZMYM2):c.3538C>T (p.Arg1180Ter)

Gene: ZMYM2 (zinc finger MYM-type containing 2; plus strand). Cytogenetic location: 13q12.11.
Variant type: single nucleotide variant.
Coding change: c.3538C>T on transcript NM_197968.4 (MANE Select); coding-DNA position 3538, C replaced by T.
Protein change: p.Arg1180Ter; replaces arginine 1180 with a stop codon.
Molecular consequence: nonsense. On other transcripts: non-coding transcript variant (1).
Genome position (GRCh38, 1-based): chr13:20,082,100, C>T. VCF-style: chr13-20082100-C-T. GRCh37 (hg19) VCF-style: chr13-20656240-C-T.
Other names: c.3538C>T (NM_003453.5, NM_003453.4, NM_003453.3); c.3538C>T, p.Arg1180Ter (NM_001353162.3, NM_001353164.2, NM_003453.6 and 4 more transcripts); c.3277C>T, p.Arg1093Ter (NM_001353163.2); c.3343C>T, p.Arg1115Ter (NM_001353161.3); short protein forms R1093*, R1115*, R1180*.
Identifiers: ClinVar variation 2626866 (VCV002626866.6), dbSNP rs1247894077, ClinGen allele CA387469276.

ClinVar aggregate classification (germline): Pathogenic/Likely pathogenic. Review status: criteria provided, multiple submitters, no conflicts (2 of 4 stars). 6 submissions from 6 submitters: Pathogenic (4); Likely pathogenic (1). 1 of the submissions does not count toward it. Last evaluated 2026-06-19.

Conditions:
Inborn genetic diseases. Identifiers: MedGen C0950123, MeSH D030342.
Neurodevelopmental-craniofacial syndrome with variable renal and cardiac abnormalities. Identifiers: MedGen C5561984, MONDO:0859190, OMIM 619522.

gnomAD v4.1: 1 of 1,603,984 alleles (0.000062%); no homozygotes.

Submissions (6):

Institute of Human Genetics, Heidelberg University
Classification: Pathogenic for Neurodevelopmental-craniofacial syndrome with variable renal and cardiac abnormalities. Last evaluated: 2026-06-19. Review status: criteria provided, single submitter. Criteria: ACMG Guidelines, 2015. Collection method: clinical testing. Allele origin: de novo. Affected: yes. Observed: 1 variant allele.
Comment: PVS1, PS2_supp, PM2_supp

GeneDx
Classification: Pathogenic. Last evaluated: 2025-08-01. Review status: criteria provided, single submitter. Criteria: GeneDx Variant Classification Process June 2021. Collection method: clinical testing. Allele origin: germline. Affected: yes.
Comment: Nonsense variant predicted to result in protein truncation or nonsense mediated decay in a gene for which loss of function is a known mechanism of disease; This variant is associated with the following publications: (PMID: 35982159, 33057194)

Ambry Genetics
Classification: Pathogenic for Inborn genetic diseases. Last evaluated: 2025-03-20. Review status: criteria provided, single submitter. Criteria: Ambry Variant Classification Scheme 2023. Collection method: clinical testing. Allele origin: germline.
Comment: The c.3538C>T (p.R1180*) alteration, located in exon 23 (coding exon 20) of the ZMYM2 gene, consists of a C to T substitution at nucleotide position 3538. This changes the amino acid from a arginine (R) to a stop codon at amino acid position 1180. This alteration is expected to result in loss of function by premature protein truncation or nonsense-mediated mRNA decay. This variant was not reported in population-based cohorts in the Genome Aggregation Database (gnomAD). This variant was reported in individual(s) with features consistent with ZMYM2-related neurodevelopmental disorder (van Slobbe, 2024). Based on the available evidence, this alteration is classified as pathogenic.

Greenwood Genetic Center Diagnostic Laboratories, Greenwood Genetic Center
Classification: Pathogenic for Neurodevelopmental-craniofacial syndrome with variable renal and cardiac abnormalities. Last evaluated: 2024-12-16. Review status: criteria provided, single submitter. Criteria: ACMG Guidelines, 2015. Collection method: clinical testing. Allele origin: germline. Affected: yes.
Comment: PVS1, PS2, PM2

MVZ Martinsried, Medicover Genetics
Classification: Likely pathogenic for Neurodevelopmental-craniofacial syndrome with variable renal and cardiac abnormalities. Last evaluated: 2024-12-02. Review status: criteria provided, single submitter. Criteria: ACGS Guidelines, 2020. Collection method: clinical testing. Allele origin: unknown. Affected: yes. Observed: 1 heterozygote.

EVOGEN
Classification: Likely pathogenic for Neurodevelopmental-craniofacial syndrome with variable renal and cardiac abnormalities. Last evaluated: 2023-10-23. Review status: no assertion criteria provided. Collection method: clinical testing. Allele origin: germline. Affected: yes. Not counted in ClinVar's aggregate classification.

Literature cited by the submitters: PubMed 37889289 (cited by Ambry Genetics).